The following is an entry in ClinVar:

NM_000528.4(MAN2B1):c.2467C>T (p.Arg823Cys)

Gene: MAN2B1 (mannosidase alpha class 2B member 1; minus strand). Cytogenetic location: 19p13.13.
Variant type: single nucleotide variant.
Coding change: c.2467C>T on transcript NM_000528.4 (MANE Select); coding-DNA position 2467, C replaced by T.
Protein change: p.Arg823Cys; replaces arginine 823 with cysteine.
Molecular consequence: missense variant.
Genome position (GRCh38, 1-based): chr19:12,648,372, G>A on the plus strand (C>T on the coding strand, the complement: MAN2B1 is on the minus strand). VCF-style: chr19-12648372-G-A. GRCh37 (hg19) VCF-style: chr19-12759186-G-A.
Other names: c.2464C>T, p.Arg822Cys (NM_001173498.2); short protein forms R822C, R823C.
Identifiers: ClinVar variation 1028818 (VCV001028818.1), dbSNP rs746805353, ClinGen allele CA9226005.

ClinVar aggregate classification (germline): Uncertain significance (1 of 4 stars; one submission).

Conditions:
Deficiency of alpha-mannosidase (MANSA). Also called: Mannosidosis, alpha-, types I and II; LYSOSOMAL ALPHA-D-MANNOSIDASE DEFICIENCY; Alpha-Mannosidosis. Identifiers: Orphanet 61, MedGen C0024748, MONDO:0009561, OMIM 248500.

Allele frequency attached by ClinVar (database versions not stated): gnomAD exomes below 0.00001.
gnomAD v4.1: 1 of 1,613,288 alleles (0.000062%); highest among the groups gnomAD compares: Admixed American, 0.0017%; no homozygotes.

Submission:

Baylor Genetics
Classification: Uncertain significance for Deficiency of alpha-mannosidase. Last evaluated: 2020-11-19. Review status: criteria provided, single submitter. Criteria: ACMG Guidelines, 2015. Collection method: clinical testing. Allele origin: unknown. Affected: yes.
Comment: This variant was determined to be of uncertain significance according to ACMG Guidelines, 2015 [PMID:25741868].